The following is an entry in ClinVar:

ClinVar aggregate classification (germline): Conflicting classifications of pathogenicity. Review status: criteria provided, conflicting classifications (1 of 4 stars). 2 submissions from 2 submitters: Uncertain significance (1); Likely benign (1). Last evaluated 2023-12-22.

Conditions:
Inborn genetic diseases. Identifiers: MedGen C0950123, MeSH D030342.
Isolated focal non-epidermolytic palmoplantar keratoderma. Also called: Palmoplantar keratoderma, nonepidermolytic, focal 2. Identifiers: Orphanet 448264, MedGen C4225339, MONDO:0014622, OMIM 616400.

Allele frequency attached by ClinVar (database versions not stated): gnomAD exomes 0.00001 and 0.00002; TOPMed 0.00002; ExAC 0.00003; ESP Exome Variant Server 0.00008.
gnomAD v4.1: 18 of 1,613,476 alleles (0.0011%); highest among the groups gnomAD compares: Middle Eastern, 0.017%; no homozygotes.

Submissions (2):

Ambry Genetics
Classification: Uncertain significance for Inborn genetic diseases. Last evaluated: 2023-12-22. Review status: criteria provided, single submitter. Criteria: Ambry Variant Classification Scheme 2023. Collection method: clinical testing. Allele origin: germline.

Illumina Laboratory Services, Illumina
Classification: Likely benign for Isolated focal non-epidermolytic palmoplantar keratoderma. Last evaluated: 2018-01-13. Review status: criteria provided, single submitter. Criteria: ICSL Variant Classification Criteria 13 December 2019. Collection method: clinical testing. Allele origin: germline.
Comment: This variant was observed in the ICSL laboratory as part of a predisposition screen in an ostensibly healthy population. It had not been previously curated by ICSL or reported in the Human Gene Mutation Database (HGMD: prior to June 1st, 2018), and was therefore a candidate for classification through an automated scoring system. Utilizing variant allele frequency, disease prevalence and penetrance estimates, and inheritance mode, an automated score was calculated to assess if this variant is too frequent to cause the disease. Based on the score and internal cut-off values, a variant classified as likely benign is not then subjected to further curation. The score for this variant resulted in a classification of likely benign for this disease.

NM_145068.4(TRPV3):c.1935G>T (p.Gln645His)

Gene: TRPV3 (transient receptor potential cation channel subfamily V member 3; minus strand). Cytogenetic location: 17p13.2.
Variant type: single nucleotide variant.
Coding change: c.1935G>T on transcript NM_145068.4 (MANE Select); coding-DNA position 1935, G replaced by T.
Protein change: p.Gln645His; replaces glutamine 645 with histidine.
Molecular consequence: missense variant.
Genome position (GRCh38, 1-based): chr17:3,518,726, C>A on the plus strand (G>T on the coding strand, the complement: TRPV3 is on the minus strand). VCF-style: chr17-3518726-C-A. GRCh37 (hg19) VCF-style: chr17-3422020-C-A.
Other names: c.1935G>T, p.Gln645His (NM_001258205.2); c.1935G>T (NM_145068.2); short protein forms Q645H.
Identifiers: ClinVar variation 891073 (VCV000891073.5), dbSNP rs146839243, ClinGen allele CA8289264.
Genomic context (GRCh38, chr17:3,518,726, plus strand): 5'-GGTGAGGATGACATAGGTGATGAGCAGGAACAGAAAGAGAATGGGATACTTGGAGTTCTG[C>A]TGGATGTTCAGGTCACCCAGGCCTATGGTGAGCTTGAAGAGTTCCAGCACTGCGTCGCTG-3'
Protein context (NP_659505.1, residues 635-655): LTIGLGDLNI[Gln645His]QNSKYPILFL